The following is an entry in ClinVar:

GRCh38/hg38 19p13.3(chr19:259395-819679)x3

Genes: BSG (basigin (Ok blood group); plus strand), BSG-AS1 (BSG antisense RNA 1; minus strand), C2CD4C (C2 calcium dependent domain containing 4C; minus strand), CDC34 (cell division cycle 34, ubiquitin conjugating enzyme; plus strand), CIMAP1D (CIMAP1 family member D; minus strand) and 72 more. Cytogenetic location: 19p13.3.
Variant type: copy number gain.
Change: copy number 3 (three copies instead of two) of chr19:259,395-819,679 (560.3 kb, GRCh38 coordinates, 1-based), cytogenetic band 19p13.3.
Identifiers: ClinVar variation 57441 (VCV000057441.1).

ClinVar aggregate classification (germline): Pathogenic (1 of 4 stars; one submission).

Submission:

ISCA site 4
Classification: Pathogenic. Last evaluated: 2011-08-12. Review status: criteria provided, single submitter. Criteria: Kaminsky et al. (Genet Med. 2011). Collection method: clinical testing. Allele origin: unknown. Affected: yes. Observed: 1 variant allele.
Comment: Copy number variation identified through the course of routine clinical cytogenomic testing in postnatal populations. Clinical assertions have been curated as described in Kaminsky et al. 2011.